The following is an entry in ClinVar:

ClinVar aggregate classification (germline): Pathogenic (1 of 4 stars; one submission).

Conditions:
Early-infantile DEE. Also called: Ohtahara syndrome; Early infantile epileptic encephalopathy with suppression bursts; Early infantile epileptic encephalopathy. Identifiers: Orphanet 1934, MedGen C0393706, MONDO:0800491.

Submission:

Labcorp Genetics (formerly Invitae), Labcorp
Classification: Pathogenic for Early-infantile DEE. Last evaluated: 2020-06-19. Review status: criteria provided, single submitter. Criteria: Invitae Variant Classification Sherloc (09022015). Collection method: clinical testing. Allele origin: germline.
Comment: For these reasons, this variant has been classified as Pathogenic. A different variant (c.2862G>T) giving rise to the same protein effect observed here (p.Glu954Asp) has been determined to be pathogenic (Invitae). This suggests that this variant is also likely to be causative of disease. This sequence change replaces glutamic acid with aspartic acid at codon 954 of the SCN1A protein (p.Glu954Asp). The glutamic acid residue is highly conserved and there is a small physicochemical difference between glutamic acid and aspartic acid. This variant is not present in population databases (ExAC no frequency). This variant has not been reported in the literature in individuals with SCN1A-related conditions. Algorithms developed to predict the effect of missense changes on protein structure and function (SIFT, PolyPhen-2, Align-GVGD) all suggest that this variant is likely to be disruptive, but these predictions have not been confirmed by published functional studies and their clinical significance is uncertain.

NM_001165963.4(SCN1A):c.2862G>C (p.Glu954Asp)

Gene: SCN1A (sodium voltage-gated channel alpha subunit 1; minus strand). Cytogenetic location: 2q24.3.
Variant type: single nucleotide variant.
Coding change: c.2862G>C on transcript NM_001165963.4 (MANE Select); coding-DNA position 2862, G replaced by C.
Protein change: p.Glu954Asp; replaces glutamic acid 954 with aspartic acid.
Molecular consequence: missense variant. On other transcripts: non-coding transcript variant (1).
Genome position (GRCh38, 1-based): chr2:166,037,860, C>G on the plus strand (G>C on the coding strand, the complement: SCN1A is on the minus strand). VCF-style: chr2-166037860-C-G. GRCh37 (hg19) VCF-style: chr2-166894370-C-G.
Other names: c.2778G>C, p.Glu926Asp (NM_001165964.3, NM_001353957.2, NM_001353958.2); c.2862G>C, p.Glu954Asp (NM_001202435.3, NM_001353948.2); c.2829G>C, p.Glu943Asp (NM_001353949.2, NM_001353950.2, NM_001353951.2 and 2 more transcripts); c.2826G>C, p.Glu942Asp (NM_001353954.2, NM_001353955.2); c.2775G>C, p.Glu925Asp (NM_001353960.2); c.420G>C, p.Glu140Asp (NM_001353961.2); short protein forms E140D, E925D, E926D, E942D, E943D, E954D.
Identifiers: ClinVar variation 1071810 (VCV001071810.10), dbSNP rs1041924436, ClinGen allele CA349061108.